The following is an entry in ClinVar:

ClinVar aggregate classification (germline): Pathogenic (1 of 4 stars; one submission).

Submission:

Clinical Genomics Laboratory, Laboratory for Precision Diagnostics, University of Washington
Classification: Pathogenic. Last evaluated: 2016-05-03. Review status: criteria provided, single submitter. Criteria: Clinical Cytogenomics Laboratory Policy on CNV Interpretation. Collection method: clinical testing. Allele origin: maternal. Affected: yes. Observed: 1 variant allele.

GRCh37/hg19 4p16.3-16.1(chr4:49450-8872474)x1

Genes: ABLIM2 (actin binding LIM protein family member 2; minus strand), ACOX3 (acyl-CoA oxidase 3, pristanoyl; minus strand), ADD1 (adducin 1; plus strand), ADRA2C (adrenoceptor alpha 2C; plus strand), AFAP1 (actin filament associated protein 1; minus strand) and 88 more. Cytogenetic location: 4p16.3-16.1.
Variant type: copy number loss.
Change: copy number 1 (one copy instead of two) of chr4:49,450-8,872,474 (8.82 Mb, GRCh37 coordinates, 1-based), cytogenetic band 4p16.3-16.1.
Identifiers: ClinVar variation 252966 (VCV000252966.3).